The following is an entry in ClinVar:

ClinVar aggregate classification (germline): Likely benign. Review status: criteria provided, multiple submitters, no conflicts (2 of 4 stars). 2 submissions from 2 submitters: Likely benign (2). Last evaluated 2024-08-01.

gnomAD v4.1: 3 of 1,614,100 alleles (0.00019%); highest among the groups gnomAD compares: South Asian, 0.0033%; no homozygotes.

Submissions (2):

CeGaT Center for Human Genetics Tuebingen
Classification: Likely benign. Last evaluated: 2024-08-01. Review status: criteria provided, single submitter. Criteria: CeGaT Center For Human Genetics Tuebingen Variant Classification Criteria Version 2. Collection method: clinical testing. Allele origin: germline. Affected: yes. Observed: 1 variant allele.
Comment: COL4A1: BP4, BP7

Blueprint Genetics
Classification: Likely benign. Last evaluated: 2023-09-19. Review status: criteria provided, single submitter. Criteria: ACMG Guidelines, 2015. Collection method: clinical testing. Allele origin: germline.

NM_001845.6(COL4A1):c.4629A>G (p.Pro1543=)

Gene: COL4A1 (collagen type IV alpha 1 chain; minus strand). Cytogenetic location: 13q34.
Variant type: single nucleotide variant.
Coding change: c.4629A>G on transcript NM_001845.6 (MANE Select); coding-DNA position 4629, A replaced by G.
Protein change: p.Pro1543=; no amino-acid change (proline 1543 retained).
Molecular consequence: synonymous variant.
Genome position (GRCh38, 1-based): chr13:110,161,203, T>C on the plus strand (A>G on the coding strand, the complement: COL4A1 is on the minus strand). VCF-style: chr13-110161203-T-C. GRCh37 (hg19) VCF-style: chr13-110813550-T-C.
Identifiers: ClinVar variation 3342205 (VCV003342205.17).
Genomic context (GRCh38, chr13:110,161,203, plus strand): 5'-GACTTTTCCTCTTCAATTTTGCATTTGTTCCTACAGATGCTCGACTCACCTACTAATAAA[T>C]GGTCTTATGTTTTCCCCCGTGATGGGTGCCATTGACATGGGCATGGGCTCAGGGGTGGAC-3'
Protein context (NP_001836.3, residues 1533-1553): MAPITGENIR[Pro1543=]FISRCAVCEA